The following is an entry in ClinVar:

NM_006767.4(LZTR1):c.792-3C>T

Gene: LZTR1 (leucine zipper like post translational regulator 1; plus strand). Cytogenetic location: 22q11.21.
Variant type: single nucleotide variant.
Coding change: c.792-3C>T on transcript NM_006767.4 (MANE Select); 3 bases into the intron before coding-DNA position 792, C replaced by T.
Molecular consequence: intron variant.
Genome position (GRCh38, 1-based): chr22:20,991,625, C>T. VCF-style: chr22-20991625-C-T. GRCh37 (hg19) VCF-style: chr22-21345914-C-T.
Identifiers: ClinVar variation 3681635 (VCV003681635.2).

ClinVar aggregate classification (germline): Uncertain significance (1 of 4 stars; one submission).

gnomAD v4.1: 1 of 1,580,696 alleles (0.000063%); highest among the groups gnomAD compares: Non-Finnish European, 0.000086%; no homozygotes.

Submission:

Labcorp Genetics (formerly Invitae), Labcorp
Classification: Uncertain significance. Last evaluated: 2024-08-14. Review status: criteria provided, single submitter. Criteria: Invitae Variant Classification Sherloc (09022015). Collection method: clinical testing. Allele origin: germline.
Comment: This sequence change falls in intron 8 of the LZTR1 gene. It does not directly change the encoded amino acid sequence of the LZTR1 protein. It affects a nucleotide within the consensus splice site. This variant is not present in population databases (gnomAD no frequency). This variant has not been reported in the literature in individuals affected with LZTR1-related conditions. Variants that disrupt the consensus splice site are a relatively common cause of aberrant splicing (PMID: 17576681, 9536098). Algorithms developed to predict the effect of sequence changes on RNA splicing suggest that this variant is not likely to affect RNA splicing. In summary, the available evidence is currently insufficient to determine the role of this variant in disease. Therefore, it has been classified as a Variant of Uncertain Significance.

Literature cited by the submitters: PubMed 17576681; PubMed 9536098.